The following is an entry in ClinVar:

ClinVar aggregate classification (germline): Uncertain significance (1 of 4 stars; one submission).

Submission:

Labcorp Genetics (formerly Invitae), Labcorp
Classification: Uncertain significance. Last evaluated: 2025-04-16. Review status: criteria provided, single submitter. Criteria: Invitae Variant Classification Sherloc (09022015). Collection method: clinical testing. Allele origin: germline.
Comment: This sequence change replaces glutamine, which is neutral and polar, with glutamic acid, which is acidic and polar, at codon 388 of the PLK4 protein (p.Gln388Glu). This variant is not present in population databases (gnomAD no frequency). This variant has not been reported in the literature in individuals affected with PLK4-related conditions. ClinVar contains an entry for this variant (Variation ID: 1374941). An algorithm developed to predict the effect of missense changes on protein structure and function (PolyPhen-2) suggests that this variant is likely to be tolerated. In summary, the available evidence is currently insufficient to determine the role of this variant in disease. Therefore, it has been classified as a Variant of Uncertain Significance.

NM_014264.5(PLK4):c.1162C>G (p.Gln388Glu)

Gene: PLK4 (polo like kinase 4; plus strand). Cytogenetic location: 4q28.1.
Variant type: single nucleotide variant.
Coding change: c.1162C>G on transcript NM_014264.5 (MANE Select); coding-DNA position 1162, C replaced by G.
Protein change: p.Gln388Glu; replaces glutamine 388 with glutamic acid.
Molecular consequence: missense variant.
Genome position (GRCh38, 1-based): chr4:127,886,532, C>G. VCF-style: chr4-127886532-C-G. GRCh37 (hg19) VCF-style: chr4-128807687-C-G.
Other names: c.1066C>G, p.Gln356Glu (NM_001190799.2); c.1039C>G, p.Gln347Glu (NM_001190801.2); short protein forms Q388E, Q347E, Q356E.
Identifiers: ClinVar variation 1374941 (VCV001374941.8), dbSNP rs1735139242, ClinGen allele CA358152669.